The following is an entry in ClinVar:

ClinVar aggregate classification (germline): Likely pathogenic (1 of 4 stars; one submission).

Conditions:
Autosomal recessive Alport syndrome (ATS2). Also called: ALPORT SYNDROME 2, AUTOSOMAL RECESSIVE; Alport syndrome type 2; COL4A4 Alport Syndrome and Thin Basement Membrane Nephropathy; COL4A3-Related Nephropathy. Identifiers: Orphanet 63, Orphanet 88919, MedGen C4746745, MONDO:0008762, OMIM 203780.

Allele frequency attached by ClinVar (database versions not stated): TOPMed 0.00001.

Submission:

Myriad Genetics, Inc.
Classification: Likely pathogenic for Autosomal recessive Alport syndrome. Last evaluated: 2019-06-05. Review status: criteria provided, single submitter. Criteria: Myriad Women's Health Autosomal Recessive and X-Linked Classification Criteria (2019). Collection method: clinical testing. Allele origin: unknown.
Comment: NM_000091.4(COL4A3):c.1747A>T(K583*) is expected to be pathogenic in the context of COL4A3-related Alport syndrome. This variant is predicted to lead to an abnormal or absent protein product due to the creation of a premature termination codon in COL4A3, a gene where loss-of-function variants are known to be pathogenic. Please note: this variant was assessed in the context of healthy population screening.

NM_000091.5(COL4A3):c.1747A>T (p.Lys583Ter)

Genes: MFF-DT (MFF divergent transcript; minus strand), COL4A3 (collagen type IV alpha 3 chain; plus strand). Cytogenetic location: 2q36.3.
Variant type: single nucleotide variant.
Coding change: c.1747A>T on transcript NM_000091.5 (MANE Select); coding-DNA position 1747, A replaced by T.
Protein change: p.Lys583Ter; replaces lysine 583 with a stop codon.
Molecular consequence: nonsense.
Genome position (GRCh38, 1-based): chr2:227,270,941, A>T. VCF-style: chr2-227270941-A-T. GRCh37 (hg19) VCF-style: chr2-228135657-A-T.
Other names: short protein forms K583*.
Identifiers: ClinVar variation 984359 (VCV000984359.3), dbSNP rs920504687, ClinGen allele CA66637964.